The following is an entry in ClinVar:

NM_000176.3(NR3C1):c.869_870delinsTT (p.Gly290Val)

Gene: NR3C1 (nuclear receptor subfamily 3 group C member 1; minus strand). Cytogenetic location: 5q31.3.
Variant type: Indel.
Coding change: c.869_870delinsTT on transcript NM_000176.3 (MANE Select); coding-DNA positions 869 to 870, GG replaced by TT.
Protein change: p.Gly290Val; replaces glycine 290 with valine.
Molecular consequence: missense variant. On other transcripts: 5 prime UTR variant (3).
Genome position (GRCh38, 1-based): chr5:143,399,970-143,399,971, CC replaced by AA on the plus strand (GG replaced by TT on the coding strand, the reverse complement: NR3C1 is on the minus strand). VCF-style: chr5-143399970-CC-AA. GRCh37 (hg19) VCF-style: chr5-142779535-CC-AA.
Other names: c.869_870delinsTT, p.Gly290Val (NM_001364184.2, NM_001020825.2, NM_001024094.2 and 10 more transcripts); c.-122_-121delinsTT (NM_001204263.2); c.-137_-136delinsTT (NM_001204264.2); c.791_792delinsTT, p.Gly264Val (NM_001204258.2); c.614_615delinsTT, p.Gly205Val (NM_001204259.2); c.602_603delinsTT, p.Gly201Val (NM_001204260.2); c.578_579delinsTT, p.Gly193Val (NM_001204261.2); c.-77_-76delinsTT (NM_001204262.2); short protein forms G193V, G205V, G264V, G290V, G201V.
Identifiers: ClinVar variation 2982968 (VCV002982968.4), dbSNP rs2480123269, ClinGen allele CA2740094127.

ClinVar aggregate classification (germline): Uncertain significance. Review status: criteria provided, multiple submitters, no conflicts (2 of 4 stars). 2 submissions from 2 submitters: Uncertain significance (2). Last evaluated 2024-05-23.

Conditions:
Glucocorticoid resistance. Also called: Glucocorticoid resistance, generalized; Cortisol resistance from glucocorticoid receptor defect; Gcr deficiency; Gccr deficiency; Glucocorticoid receptor deficiency. Identifiers: Orphanet 786, MedGen C1841972, MONDO:0014421, OMIM 615962.

Submissions (2):

Fulgent Genetics
Classification: Uncertain significance for Glucocorticoid resistance. Last evaluated: 2024-05-23. Review status: criteria provided, single submitter. Criteria: ACMG Guidelines, 2015. Collection method: clinical testing. Allele origin: germline.

Labcorp Genetics (formerly Invitae), Labcorp
Classification: Uncertain significance. Last evaluated: 2023-01-11. Review status: criteria provided, single submitter. Criteria: Invitae Variant Classification Sherloc (09022015). Collection method: clinical testing. Allele origin: germline.
Comment: The frequency data for this variant in the population databases is considered unreliable, as metrics indicate poor data quality at this position in the gnomAD database. In summary, the available evidence is currently insufficient to determine the role of this variant in disease. Therefore, it has been classified as a Variant of Uncertain Significance. Algorithms developed to predict the effect of missense changes on protein structure and function are either unavailable or do not agree on the potential impact of this missense change (SIFT: "Not Available"; PolyPhen-2: "Probably Damaging"; Align-GVGD: "Not Available"). This variant has not been reported in the literature in individuals affected with NR3C1-related conditions. This sequence change replaces glycine, which is neutral and non-polar, with valine, which is neutral and non-polar, at codon 290 of the NR3C1 protein (p.Gly290Val).